The following is an entry in ClinVar:

NM_001305581.2(LRMDA):c.551G>A (p.Arg184His)

Gene: LRMDA (leucine rich melanocyte differentiation associated; plus strand). Cytogenetic location: 10q22.3.
Variant type: single nucleotide variant.
Coding change: c.551G>A on transcript NM_001305581.2 (MANE Select); coding-DNA position 551, G replaced by A.
Protein change: p.Arg184His; replaces arginine 184 with histidine.
Molecular consequence: missense variant. On other transcripts: non-coding transcript variant (1).
Genome position (GRCh38, 1-based): chr10:76,324,435, G>A. VCF-style: chr10-76324435-G-A. GRCh37 (hg19) VCF-style: chr10-78084193-G-A.
Other names: c.467G>A, p.Arg156His (NM_032024.5); short protein forms R156H, R184H.
Identifiers: ClinVar variation 1681436 (VCV001681436.12), dbSNP rs149792982, ClinGen allele CA5567667.

ClinVar aggregate classification (germline): Conflicting classifications of pathogenicity. Review status: criteria provided, conflicting classifications (1 of 4 stars). 2 submissions from 2 submitters: Uncertain significance (1); Likely benign (1). Last evaluated 2026-03-01.

Allele frequency attached by ClinVar (database versions not stated): gnomAD exomes 0.00023; ExAC 0.00024; gnomAD 0.00064 and 0.00068; ESP Exome Variant Server 0.00069; TOPMed 0.00083; 1000 Genomes Project 0.00120; 1000 Genomes Project 30x 0.00125.
gnomAD v4.1: 235 of 1,614,066 alleles (0.015%); highest among the groups gnomAD compares: African/African-American, 0.22%; no homozygotes.

Submissions (2):

CeGaT Center for Human Genetics Tuebingen
Classification: Uncertain significance. Last evaluated: 2026-03-01. Review status: criteria provided, single submitter. Criteria: CeGaT Center For Human Genetics Tuebingen Variant Classification Criteria Version 2. Collection method: clinical testing. Allele origin: germline. Affected: yes. Observed: 1 variant allele.
Comment: LRMDA: PM2, BP4

Labcorp Genetics (formerly Invitae), Labcorp
Classification: Likely benign. Last evaluated: 2026-01-26. Review status: criteria provided, single submitter. Criteria: Invitae Variant Classification Sherloc (09022015). Collection method: clinical testing. Allele origin: germline.